The following is an entry in ClinVar:

NM_000136.3(FANCC):c.1279del (p.Ala427fs)

Genes: AOPEP (aminopeptidase O (putative); plus strand), FANCC (FA complementation group C; minus strand). Cytogenetic location: 9q22.32.
Variant type: Deletion.
Coding change: c.1279del on transcript NM_000136.3 (MANE Select); coding-DNA position 1279, one base deleted (G; older notation c.1279delG).
Protein change: p.Ala427fs; shifts the reading frame from alanine 427.
Molecular consequence: frameshift variant.
Genome position (GRCh38, 1-based): chr9:95,111,513, C deleted on the plus strand (G on the coding strand, the reverse complement: FANCC is on the minus strand); the first of 2 consecutive C bases (chr9:95,111,513-95,111,514); deleting either gives the same sequence. VCF-style (leftmost placement, unchanged base first): chr9-95111512-GC-G. GRCh37 (hg19) VCF-style: chr9-97873794-GC-G.
Other names: c.1279del, p.Ala427fs (NM_001243743.2, NM_001243744.2); short protein forms A427fs.
Identifiers: ClinVar variation 5004779 (VCV005004779.1).

ClinVar aggregate classification (germline): Pathogenic (1 of 4 stars; one submission).

Conditions:
Fanconi anemia complementation group C (FANCC). Also called: FANCONI PANCYTOPENIA, TYPE 3; FACC; Fanconi anemia, group C; FANCC-Related Fanconi Anemia. Identifiers: Orphanet 84, MedGen C3468041, MONDO:0009213, OMIM 227645.

Submission:

Myriad Genetics, Inc.
Classification: Pathogenic for Fanconi anemia complementation group C. Last evaluated: 2026-07-07. Review status: criteria provided, single submitter. Criteria: Myriad Autosomal Dominant, Autosomal Recessive and X-Linked Classification Criteria (2023). Collection method: clinical testing. Allele origin: unknown.
Comment: NM_000136.2(FANCC):c.1279delG(A427Pfs*20) is a frameshift variant classified as pathogenic in the context of Fanconi anemia, FANCC-related. A427Pfs*20 has not been observed in cases with relevant disease. Relevant functional assessments of this variant are not available in the literature. A427Pfs*20 has not been observed in referenced population frequency databases. In summary, NM_000136.2(FANCC):c.1279delG(A427Pfs*20) is a frameshift variant in a gene where loss of function is a known mechanism of disease and is predicted to disrupt protein function. Please note: this variant was assessed in the context of healthy population screening.